The following is an entry in ClinVar:

ClinVar aggregate classification (germline): Likely benign (1 of 4 stars; one submission).

Allele frequency attached by ClinVar (database versions not stated): gnomAD exomes 0.00002; TOPMed 0.00003; ExAC 0.00004; gnomAD 0.00001.
gnomAD v4.1: 30 of 1,589,832 alleles (0.0019%); highest among the groups gnomAD compares: Middle Eastern, 0.018%; no homozygotes.

Submission:

CeGaT Center for Human Genetics Tuebingen
Classification: Likely benign. Last evaluated: 2022-08-01. Review status: criteria provided, single submitter. Criteria: CeGaT Center For Human Genetics Tuebingen Variant Classification Criteria Version 2. Collection method: clinical testing. Allele origin: germline. Affected: yes. Observed: 1 variant allele.
Comment: CAPZA1: BP4

NM_006135.3(CAPZA1):c.657+7A>G

Gene: CAPZA1 (capping actin protein of muscle Z-line subunit alpha 1; plus strand). Cytogenetic location: 1p13.2.
Variant type: single nucleotide variant.
Coding change: c.657+7A>G on transcript NM_006135.3 (MANE Select); 7 bases into the intron after coding-DNA position 657, A replaced by G.
Molecular consequence: intron variant.
Genome position (GRCh38, 1-based): chr1:112,667,152, A>G. VCF-style: chr1-112667152-A-G. GRCh37 (hg19) VCF-style: chr1-113209774-A-G.
Identifiers: ClinVar variation 2638996 (VCV002638996.24), dbSNP rs202115321, ClinGen allele CA1009317.